The following is an entry in ClinVar:

NC_000005.10:g.112707367A>G

Gene: APC (APC regulator of Wnt signaling pathway; plus strand). Cytogenetic location: 5q22.2.
Variant type: single nucleotide variant.
Genome position: GRCh38 VCF-style: chr5-112707367-A-G. GRCh37 (hg19) VCF-style: chr5-112043064-A-G.
Identifiers: ClinVar variation 469893 (VCV000469893.10), dbSNP rs1046974767, ClinGen allele CA124924554.

ClinVar aggregate classification (germline): Uncertain significance (1 of 4 stars; one submission).

Conditions:
Familial adenomatous polyposis 1 (FAP1). Also called: FAMILIAL ADENOMATOUS POLYPOSIS 1, ATTENUATED; POLYPOSIS, ADENOMATOUS INTESTINAL. Identifiers: MedGen C2713442, MONDO:0021056, OMIM 175100. Disease mechanism: loss of function.

Allele frequency attached by ClinVar (database versions not stated): TOPMed 0.00002; gnomAD 0.00004; gnomAD exomes 0.00002.

Submission:

Labcorp Genetics (formerly Invitae), Labcorp
Classification: Uncertain significance for Familial adenomatous polyposis 1. Last evaluated: 2026-01-10. Review status: criteria provided, single submitter. Criteria: Invitae Variant Classification Sherloc (09022015). Collection method: clinical testing. Allele origin: germline.
Comment: This variant occurs in a non-coding region of the APC gene. It does not change the encoded amino acid sequence of the APC protein. This variant is not present in population databases (gnomAD no frequency). This variant has not been reported in the literature in individuals affected with APC-related conditions. ClinVar contains an entry for this variant (Variation ID: 469893). Experimental studies and prediction algorithms are not available or were not evaluated, and the functional significance of this variant is currently unknown. In summary, the available evidence is currently insufficient to determine the role of this variant in disease. Therefore, it has been classified as a Variant of Uncertain Significance.